The following is an entry in ClinVar:

ClinVar aggregate classification (germline): Uncertain significance. Review status: criteria provided, multiple submitters, no conflicts (2 of 4 stars). 3 submissions from 3 submitters: Uncertain significance (3). Last evaluated 2024-10-29.

Conditions:
Lafora disease. Also called: Epilepsy progressive myoclonic 2. Identifiers: Orphanet 501, MedGen C0751783, MONDO:0009697.

Allele frequency attached by ClinVar (database versions not stated): ExAC 0.00002; gnomAD 0.00006; ESP Exome Variant Server 0.00015; gnomAD exomes 0.00002 and below 0.00001; TOPMed 0.00015.
gnomAD v4.1: 16 of 1,613,942 alleles (0.00099%); highest among the groups gnomAD compares: African/African-American, 0.016%; no homozygotes.

Submissions (3):

Labcorp Genetics (formerly Invitae), Labcorp
Classification: Uncertain significance for Lafora disease. Last evaluated: 2024-10-29. Review status: criteria provided, single submitter. Criteria: Invitae Variant Classification Sherloc (09022015). Collection method: clinical testing. Allele origin: germline.
Comment: This sequence change replaces valine, which is neutral and non-polar, with methionine, which is neutral and non-polar, at codon 269 of the NHLRC1 protein (p.Val269Met). This variant is present in population databases (rs140164729, gnomAD 0.03%). This variant has not been reported in the literature in individuals affected with NHLRC1-related conditions. ClinVar contains an entry for this variant (Variation ID: 206196). Invitae Evidence Modeling of protein sequence and biophysical properties (such as structural, functional, and spatial information, amino acid conservation, physicochemical variation, residue mobility, and thermodynamic stability) has been performed for this missense variant. However, the output from this modeling did not meet the statistical confidence thresholds required to predict the impact of this variant on NHLRC1 protein function. In summary, the available evidence is currently insufficient to determine the role of this variant in disease. Therefore, it has been classified as a Variant of Uncertain Significance.

Mayo Clinic Laboratories, Mayo Clinic
Classification: Uncertain significance. Last evaluated: 2024-07-17. Review status: criteria provided, single submitter. Criteria: ACMG Guidelines, 2015. Collection method: clinical testing. Allele origin: germline. Observed: 1 variant allele.
Comment: PM2

GeneDx
Classification: Uncertain significance. Last evaluated: 2022-06-09. Review status: criteria provided, single submitter. Criteria: GeneDx Variant Classification Process June 2021. Collection method: clinical testing. Allele origin: germline. Affected: yes.
Comment: In silico analysis supports that this missense variant does not alter protein structure/function; Has not been previously published as pathogenic or benign to our knowledge

NM_198586.3(NHLRC1):c.805G>A (p.Val269Met)

Gene: NHLRC1 (NHL repeat containing E3 ubiquitin protein ligase 1; minus strand). Cytogenetic location: 6p22.3.
Variant type: single nucleotide variant.
Coding change: c.805G>A on transcript NM_198586.3 (MANE Select); coding-DNA position 805, G replaced by A.
Protein change: p.Val269Met; replaces valine 269 with methionine.
Molecular consequence: missense variant.
Genome position (GRCh38, 1-based): chr6:18,121,802, C>T on the plus strand (G>A on the coding strand, the complement: NHLRC1 is on the minus strand). VCF-style: chr6-18121802-C-T. GRCh37 (hg19) VCF-style: chr6-18122033-C-T.
Other names: p.V269M:GTG>ATG; p.Val269Met; short protein forms V269M.
Identifiers: ClinVar variation 206196 (VCV000206196.13), dbSNP rs140164729, ClinGen allele CA316047.